The following is an entry in ClinVar:

NM_003190.5(TAPBP):c.974G>A (p.Gly325Asp)

Gene: TAPBP (TAP binding protein; minus strand). Cytogenetic location: 6p21.32.
Variant type: single nucleotide variant.
Coding change: c.974G>A on transcript NM_003190.5 (MANE Select); coding-DNA position 974, G replaced by A.
Protein change: p.Gly325Asp; replaces glycine 325 with aspartic acid.
Molecular consequence: missense variant.
Genome position (GRCh38, 1-based): chr6:33,304,533, C>T on the plus strand (G>A on the coding strand, the complement: TAPBP is on the minus strand). VCF-style: chr6-33304533-C-T. GRCh37 (hg19) VCF-style: chr6-33272310-C-T.
Other names: c.974G>A, p.Gly325Asp (NM_172208.3); c.713G>A, p.Gly238Asp (NM_172209.3); short protein forms G238D, G325D.
Identifiers: ClinVar variation 661409 (VCV000661409.11), dbSNP rs200280998, ClinGen allele CA3755749.

ClinVar aggregate classification (germline): Uncertain significance. Review status: criteria provided, multiple submitters, no conflicts (2 of 4 stars). 3 submissions from 3 submitters: Uncertain significance (3). Last evaluated 2026-01-19.

Conditions:
MHC class I deficiency. Identifiers: Orphanet 34592, MedGen C6024714, MONDO:0011476.

Allele frequency attached by ClinVar (database versions not stated): TOPMed 0.00028; 1000 Genomes Project 0.00120; ExAC 0.00012; ESP Exome Variant Server 0.00024; gnomAD 0.00029; 1000 Genomes Project 30x 0.00109.
gnomAD v4.1: 136 of 1,612,364 alleles (0.0084%); highest among the groups gnomAD compares: Middle Eastern, 0.12%; no homozygotes.

Submissions (3):

Labcorp Genetics (formerly Invitae), Labcorp
Classification: Uncertain significance for MHC class I deficiency 1. Last evaluated: 2026-01-19. Review status: criteria provided, single submitter. Criteria: Invitae Variant Classification Sherloc (09022015). Collection method: clinical testing. Allele origin: germline.
Comment: This sequence change replaces glycine, which is neutral and non-polar, with aspartic acid, which is acidic and polar, at codon 325 of the TAPBP protein (p.Gly325Asp). This variant is present in population databases (rs200280998, gnomAD 0.09%), and has an allele count higher than expected for a pathogenic variant. This variant has not been reported in the literature in individuals affected with TAPBP-related conditions. ClinVar contains an entry for this variant (Variation ID: 661409). An algorithm developed to predict the effect of missense changes on protein structure and function outputs the following: PolyPhen-2: "Benign". The aspartic acid amino acid residue is found in multiple mammalian species, which suggests that this missense change does not adversely affect protein function. In summary, the available evidence is currently insufficient to determine the role of this variant in disease. Therefore, it has been classified as a Variant of Uncertain Significance.

Ambry Genetics
Classification: Uncertain significance. Last evaluated: 2025-08-09. Review status: criteria provided, single submitter. Criteria: Ambry Variant Classification Scheme 2023. Collection method: clinical testing. Allele origin: germline.

Breakthrough Genomics
Classification: Uncertain significance. Review status: criteria provided, single submitter. Criteria: ACMG Guidelines, 2015. Collection method: not provided. Allele origin: germline. Inheritance: Autosomal recessive inheritance. Affected: yes.